The following is an entry in ClinVar:

NM_030962.4(SBF2):c.3110+5G>T

Genes: SBF2 (SET binding factor 2; minus strand), LOC101928008 (uncharacterized LOC101928008; plus strand). Cytogenetic location: 11p15.4.
Variant type: single nucleotide variant.
Coding change: c.3110+5G>T on transcript NM_030962.4 (MANE Select); 5 bases into the intron after coding-DNA position 3110, G replaced by T.
Molecular consequence: intron variant.
Genome position (GRCh38, 1-based): chr11:9,845,560, C>A on the plus strand (G>T on the coding strand, the complement: SBF2 is on the minus strand). VCF-style: chr11-9845560-C-A. GRCh37 (hg19) VCF-style: chr11-9867107-C-A.
Other names: c.2981+5G>T (NM_001386342.1); c.3110+5G>T (NM_001386339.1).
Identifiers: ClinVar variation 856787 (VCV000856787.12), dbSNP rs898995159, ClinGen allele CA217618524.

ClinVar aggregate classification (germline): Uncertain significance. Review status: criteria provided, multiple submitters, no conflicts (2 of 4 stars). 5 submissions from 5 submitters: Uncertain significance (5). Last evaluated 2026-04-22.

Conditions:
Charcot-Marie-Tooth disease type 4. Also called: Charcot-Marie-Tooth disease, type IV; Charcot-Marie-Tooth, Type 4. Identifiers: Orphanet 64749, MedGen C4082197, MONDO:0018995.
Inborn genetic diseases. Identifiers: MedGen C0950123, MeSH D030342.
SBF2-related disorder. Also called: SBF2-related condition.

Allele frequency attached by ClinVar (database versions not stated): gnomAD 0.00001; TOPMed 0.00001.
gnomAD v4.1: 17 of 1,612,910 alleles (0.0011%); highest among the groups gnomAD compares: Non-Finnish European, 0.0014%; no homozygotes.

Submissions (5):

PreventionGenetics, part of Exact Sciences
Classification: Uncertain significance for SBF2-related condition. Last evaluated: 2026-04-22. Review status: criteria provided, single submitter. Criteria: ACMG Guidelines, 2015. Collection method: clinical testing. Allele origin: germline.
Comment: The SBF2 c.3110+5G>T variant is predicted to interfere with splicing. To our knowledge, this variant has not been reported in the literature or in a large population database (gnomAD), indicating this variant is rare. At this time, the clinical significance of this variant is uncertain due to the absence of conclusive functional and genetic evidence.

GeneDx
Classification: Uncertain significance. Last evaluated: 2024-07-18. Review status: criteria provided, single submitter. Criteria: GeneDx Variant Classification Process June 2021. Collection method: clinical testing. Allele origin: germline. Affected: yes.
Comment: Not observed at significant frequency in large population cohorts (gnomAD); In silico analysis indicates that this variant does not alter splicing; Has not been previously published as pathogenic or benign to our knowledge

Ambry Genetics
Classification: Uncertain significance for Inborn genetic diseases. Last evaluated: 2022-01-31. Review status: criteria provided, single submitter. Criteria: Ambry Variant Classification Scheme 2023. Collection method: clinical testing. Allele origin: germline.
Comment: The c.3110+5G>T intronic variant results from a G to T substitution 5 nucleotides after coding exon 24 in the SBF2 gene. This nucleotide position is highly conserved in available vertebrate species. In silico splice site analysis for this alteration is inconclusive. Since supporting evidence is limited at this time, the clinical significance of this alteration remains unclear.

Labcorp Genetics (formerly Invitae), Labcorp
Classification: Uncertain significance for Charcot-Marie-Tooth disease type 4. Last evaluated: 2021-12-24. Review status: criteria provided, single submitter. Criteria: Invitae Variant Classification Sherloc (09022015). Collection method: clinical testing. Allele origin: germline.
Comment: This sequence change falls in intron 24 of the SBF2 gene. It does not directly change the encoded amino acid sequence of the SBF2 protein. It affects a nucleotide within the consensus splice site. This variant is not present in population databases (gnomAD no frequency). This variant has not been reported in the literature in individuals affected with SBF2-related conditions. ClinVar contains an entry for this variant (Variation ID: 856787). Variants that disrupt the consensus splice site are a relatively common cause of aberrant splicing (PMID: 17576681, 9536098). Algorithms developed to predict the effect of sequence changes on RNA splicing suggest that this variant may disrupt the consensus splice site. In summary, the available evidence is currently insufficient to determine the role of this variant in disease. Therefore, it has been classified as a Variant of Uncertain Significance.

Genetic Services Laboratory, University of Chicago
Classification: Uncertain significance. Last evaluated: 2019-04-30. Review status: criteria provided, single submitter. Criteria: ACMG Guidelines, 2015. Collection method: clinical testing. Allele origin: germline. Affected: no.

Literature cited by the submitters: PubMed 17576681 (cited by Labcorp Genetics (formerly Invitae), Labcorp); PubMed 9536098 (cited by Labcorp Genetics (formerly Invitae), Labcorp).